The following is an entry in ClinVar:

ClinVar aggregate classification (germline): Conflicting classifications of pathogenicity. Review status: criteria provided, conflicting classifications (1 of 4 stars). 6 submissions from 5 submitters: Pathogenic (2); Likely pathogenic (3); Uncertain significance (1). Last evaluated 2024-12-31.

Conditions:
Pulmonary fibrosis and/or bone marrow failure, Telomere-related, 1. Also called: PULMONARY FIBROSIS AND/OR BONE MARROW FAILURE SYNDROME, TELOMERE-RELATED, 1. Identifiers: Orphanet 88, MedGen C3553617, MONDO:0013878, OMIM 614742.
Idiopathic Pulmonary Fibrosis. Also called: Idiopathic fibrosing alveolitis, chronic form; idiopathic fibrosing alveolitis. Identifiers: Orphanet 2032, MedGen C1800706, MeSH D054990, MONDO:0800504.
Dyskeratosis congenita, autosomal dominant 2. Identifiers: MedGen C3151443, MONDO:0013521, OMIM 613989.

Allele frequency attached by ClinVar (database versions not stated): gnomAD exomes below 0.00001.

Submissions (6):

Labcorp Genetics (formerly Invitae), Labcorp
Classification: Pathogenic for Dyskeratosis congenita, autosomal dominant 2; Idiopathic Pulmonary Fibrosis. Last evaluated: 2024-12-31. Review status: criteria provided, single submitter. Criteria: Invitae Variant Classification Sherloc (09022015). Collection method: clinical testing. Allele origin: germline.
Comment: This sequence change replaces alanine, which is neutral and non-polar, with threonine, which is neutral and polar, at codon 880 of the TERT protein (p.Ala880Thr). This variant is not present in population databases (gnomAD no frequency). This missense change has been observed in individuals with autosomal dominant pulmonary fibrosis and/or autosomal recessive Hoyeraal Hreidarsson syndrome (PMID: 23335200, 27836952; internal data). It has also been observed to segregate with disease in related individuals. ClinVar contains an entry for this variant (Variation ID: 950401). Invitae Evidence Modeling of protein sequence and biophysical properties (such as structural, functional, and spatial information, amino acid conservation, physicochemical variation, residue mobility, and thermodynamic stability) indicates that this missense variant is expected to disrupt TERT protein function with a positive predictive value of 95%. Experimental studies have shown that this missense change affects TERT function (PMID: 23335200). For these reasons, this variant has been classified as Pathogenic.

Johns Hopkins Genomics, Johns Hopkins University
Classification: Likely pathogenic for Dyskeratosis congenita, autosomal dominant 2. Last evaluated: 2022-12-27. Review status: criteria provided, single submitter. Criteria: ACMG Guidelines, 2015. Collection method: clinical testing. Allele origin: germline.
Comment: This TERT variant has been previously identified in individuals with a diagnosis of Hoyeraal-Hreidarsson syndrome, dyskeratosis congenita or pulmonary fibrosis. It is absent from a large population dataset, but has been reported in ClinVar (Variation ID: 923737). This missense variant affects an amino acid that is conserved in most species assessed. One study demonstrated that this variant is associated with severe reduction in telomerase activity in an in vitro telomerase activity assay, although this has not been replicated to our knowledge. We consider this variant to be likely pathogenic.

Johns Hopkins Genomics, Johns Hopkins University
Classification: Likely pathogenic for Pulmonary fibrosis and/or bone marrow failure, Telomere-related, 1. Last evaluated: 2022-12-27. Review status: criteria provided, single submitter. Criteria: ACMG Guidelines, 2015. Collection method: clinical testing. Allele origin: germline.
Comment: the same text as in the submission from Johns Hopkins Genomics, Johns Hopkins University above.

Mayo Clinic Laboratories, Mayo Clinic
Classification: Likely pathogenic. Last evaluated: 2022-08-18. Review status: criteria provided, single submitter. Criteria: ACMG Guidelines, 2015. Collection method: clinical testing. Allele origin: germline. Observed: 1 variant allele.
Comment: PP2, PM2_supporting, PS3_moderate, PS4_moderate

Blueprint Genetics
Classification: Uncertain significance. Last evaluated: 2020-10-23. Review status: criteria provided, single submitter. Criteria: ACMG Guidelines, 2015. Collection method: clinical testing. Allele origin: germline.

Genetic Services Laboratory, University of Chicago
Classification: Pathogenic. Last evaluated: 2019-07-01. Review status: criteria provided, single submitter. Criteria: ACMG Guidelines, 2015. Collection method: clinical testing. Allele origin: germline. Affected: yes.
Comment: DNA sequence analysis of the TERT gene demonstrated a sequence change, c.2638G>A, in exon 10 that results in an amino acid change, p.Ala880Thr. The p.Ala880Thr change affects a highly conserved amino acid residue located in a catalytic reverse transcriptase domain of the TERT protein where other missense sequence changes have been described in patients with TERT-related disorders. The p.Ala880Thr substitution appears to be deleterious using several in-silico pathogenicity prediction tools (SIFT, PolyPhen2, CADD, REVEL). This particular amino acid change has been identified in a compound heterozygous state with another missense variant in a patient with classical features of Hoyeraal Hreidarrson syndrome (HHS) (Vogiatzi et al., 2013). An in vitro telomerase assay showed a severe reduction in telomerase activity for this variant. Perdigones et al. 2016 identified this variant along with another missense variant in this gene in a patient with dyskeratosis congenita. Additionally, a different sequence change affecting the same amino acid residue (p.Ala880Val) has also been described in a patient with idiopathic pulmonary fibrosis and telomere shortening (PMID: 25612863).

Literature cited by the submitters: PubMed 23335200 (cited by 3 submitters); PubMed 27836952 (cited by 3 submitters); PubMed 27622320 (cited by Johns Hopkins Genomics, Johns Hopkins University and Mayo Clinic Laboratories, Mayo Clinic).

NM_198253.3(TERT):c.2638G>A (p.Ala880Thr)

Gene: TERT (telomerase reverse transcriptase; minus strand). Cytogenetic location: 5p15.33.
Variant type: single nucleotide variant.
Coding change: c.2638G>A on transcript NM_198253.3 (MANE Select); coding-DNA position 2638, G replaced by A.
Protein change: p.Ala880Thr; replaces alanine 880 with threonine.
Molecular consequence: missense variant. On other transcripts: non-coding transcript variant (2).
Genome position (GRCh38, 1-based): chr5:1,266,480, C>T on the plus strand (G>A on the coding strand, the complement: TERT is on the minus strand). VCF-style: chr5-1266480-C-T. GRCh37 (hg19) VCF-style: chr5-1266595-C-T.
Other names: p.Ala880Thr; c.2638G>A, p.Ala880Thr (NM_001193376.3); short protein forms A880T.
Identifiers: ClinVar variation 950401 (VCV000950401.15), dbSNP rs1748613571, ClinGen allele CA359073151.